The following is an entry in ClinVar:

NM_004208.4(AIFM1):c.245C>T (p.Ala82Val)

Genes: AIFM1 (apoptosis inducing factor mitochondria associated 1; minus strand), RAB33A (RAB33A, member RAS oncogene family; plus strand). Cytogenetic location: Xq26.1.
Variant type: single nucleotide variant.
Coding change: c.245C>T on transcript NM_004208.4 (MANE Select); coding-DNA position 245, C replaced by T.
Protein change: p.Ala82Val; replaces alanine 82 with valine.
Molecular consequence: missense variant. On other transcripts: intron variant (1).
Genome position (GRCh38, 1-based): chrX:130,156,465, G>A on the plus strand (C>T on the coding strand, the complement: AIFM1 is on the minus strand). VCF-style: chrX-130156465-G-A. GRCh37 (hg19) VCF-style: chrX-129290439-G-A.
Other names: c.245C>T, p.Ala82Val (NM_001130847.4); c.107-1179C>T (NM_145812.3); short protein forms A82V.
Identifiers: ClinVar variation 3750792 (VCV003750792.2).

ClinVar aggregate classification (germline): Uncertain significance (1 of 4 stars; one submission).

Conditions:
Combined oxidative phosphorylation deficiency. Identifiers: MedGen C4540031, MONDO:0000732.
Charcot-Marie-Tooth Neuropathy X. Identifiers: MedGen CN118851.

Submission:

Labcorp Genetics (formerly Invitae), Labcorp
Classification: Uncertain significance for Charcot-Marie-Tooth Neuropathy X; Combined oxidative phosphorylation deficiency. Last evaluated: 2025-10-23. Review status: criteria provided, single submitter. Criteria: Invitae Variant Classification Sherloc (09022015). Collection method: clinical testing. Allele origin: germline.
Comment: This sequence change replaces alanine, which is neutral and non-polar, with valine, which is neutral and non-polar, at codon 82 of the AIFM1 protein (p.Ala82Val). This variant is not present in population databases (gnomAD no frequency). This variant has not been reported in the literature in individuals affected with AIFM1-related conditions. ClinVar contains an entry for this variant (Variation ID: 3750792). Invitae Evidence Modeling of protein sequence and biophysical properties (such as structural, functional, and spatial information, amino acid conservation, physicochemical variation, residue mobility, and thermodynamic stability) indicates that this missense variant is not expected to disrupt AIFM1 protein function with a negative predictive value of 80%. In summary, the available evidence is currently insufficient to determine the role of this variant in disease. Therefore, it has been classified as a Variant of Uncertain Significance.